The following is an entry in ClinVar:

NM_182925.5(FLT4):c.3208C>T (p.Arg1070Cys)

Gene: FLT4 (fms related receptor tyrosine kinase 4; minus strand). Cytogenetic location: 5q35.3.
Variant type: single nucleotide variant.
Coding change: c.3208C>T on transcript NM_182925.5 (MANE Select); coding-DNA position 3208, C replaced by T.
Protein change: p.Arg1070Cys; replaces arginine 1070 with cysteine.
Molecular consequence: missense variant.
Genome position (GRCh38, 1-based): chr5:180,616,378, G>A on the plus strand (C>T on the coding strand, the complement: FLT4 is on the minus strand). VCF-style: chr5-180616378-G-A. GRCh37 (hg19) VCF-style: chr5-180043378-G-A.
Other names: c.3208C>T, p.Arg1070Cys (NM_001354989.2, NM_002020.5); short protein forms R1070C.
Identifiers: ClinVar variation 1331243 (VCV001331243.3), dbSNP rs774554521, ClinGen allele CA133204994.

ClinVar aggregate classification (germline): Uncertain significance. Review status: criteria provided, multiple submitters, no conflicts (2 of 4 stars). 2 submissions from 2 submitters: Uncertain significance (2). Last evaluated 2024-10-09.

Conditions:
Hereditary lymphedema type I (LMPHM1). Also called: Milroy Disease; LYMPHATIC MALFORMATION 1; Nonne-Milroy disease; Congenital hereditary lymphedema; Early onset lymphedema; Hereditary lymphedema 1. Identifiers: Orphanet 79452, MedGen C1704423, MONDO:0007919, OMIM 153100.

Allele frequency attached by ClinVar (database versions not stated): gnomAD 0.00001; TOPMed 0.00002.
gnomAD v4.1: 17 of 1,613,822 alleles (0.0011%); highest among the groups gnomAD compares: Middle Eastern, 0.016%; no homozygotes.

Submissions (2):

Victorian Clinical Genetics Services, Murdoch Childrens Research Institute
Classification: Uncertain significance for Hereditary lymphedema type I. Last evaluated: 2024-10-09. Review status: criteria provided, single submitter. Criteria: ACMG Guidelines, 2015. Collection method: clinical testing. Allele origin: germline. Inheritance: Autosomal dominant inheritance. Affected: yes.
Comment: Based on the classification scheme VCGS_Germline_v1.3.4, this variant is classified as VUS-3A. Following criteria are met: 0103 - Dominant negative and loss of function are known mechanisms of disease in this gene. Loss of function has been reported as the mechanism for congenital heart defects, multiple types, 7 (MIM#618780) (PMID:30232381) while dominant negative has been reported for lymphatic malformation 1 (MIM#153100) (PMID:20301417). (I) 0107 - This gene is associated with autosomal dominant disease. (I) 0112 - The condition associated with this gene has incomplete penetrance (PMID: 23074044, 30232381). (I) 0115 - Variants in this gene are known to have variable expressivity. Variable expressivity has been reported for the lymphatic malformation phenotype (PMID: 23074044). There is also a patient reported with a recurrent frameshift variant who has both tetralogy of Fallot and lymphedema (PMID: 30232381). (I) 0200 - Variant is predicted to result in a missense amino acid change from arginine to cysteine. (I) 0251 - This variant is heterozygous. (I) 0302 - Variant is present in gnomAD (v3) <0.001 for a dominant condition (1 heterozygote, 0 homozygotes). (SP) 0309 - Multiple alternative amino acid changes at the same position have been observed in gnomAD (v3) (highest allele count: 4 heterozygotes, 0 homozygotes). (I) 0501 - Missense variant consistently predicted to be damaging by multiple in silico tools or highly conserved with a major amino acid change. (SP) 0600 - Variant is located in the annotated protein tyrosine and serine/threonine kinase domain (DECIPHER). (I) 0710 - Another missense variant comparable to the one identified in this case has inconclusive previous evidence for pathogenicity. p.(Arg1070Leu) has been previously observed at VCGS and reported as a variant of unknown significance. (I) 0809 - Previous evidence of pathogenicity for this variant is inconclusive. This variant has been reported once as a variant of unknown significance (ClinVar). (I) 0905 - No published segregation evidence has been identified for this variant. (I) 1007 - No published functional evidence has been identified for this variant. (SP) Legend: (SP) - Supporting pathogenic, (I) - Information, (SB) - Supporting benign

GeneDx
Classification: Uncertain significance. Last evaluated: 2021-12-20. Review status: criteria provided, single submitter. Criteria: GeneDx Variant Classification Process June 2021. Collection method: clinical testing. Allele origin: germline. Affected: yes.
Comment: Not observed at a significant frequency in large population cohorts (Lek et al., 2016); In silico analysis supports that this missense variant has a deleterious effect on protein structure/function; Has not been previously published as pathogenic or benign to our knowledge; This variant is associated with the following publications: (PMID: 32510566)

Literature cited by the submitters: PubMed 20301417 (cited by Victorian Clinical Genetics Services, Murdoch Childrens Research Institute); PubMed 23074044 (cited by Victorian Clinical Genetics Services, Murdoch Childrens Research Institute); PubMed 30232381 (cited by Victorian Clinical Genetics Services, Murdoch Childrens Research Institute).